The following is an entry in ClinVar:

NM_000321.3(RB1):c.201A>C (p.Pro67=)

Gene: RB1 (RB transcriptional corepressor 1; plus strand). Cytogenetic location: 13q14.2.
Variant type: single nucleotide variant.
Coding change: c.201A>C on transcript NM_000321.3 (MANE Select); coding-DNA position 201, A replaced by C.
Protein change: p.Pro67=; no amino-acid change (proline 67 retained).
Molecular consequence: synonymous variant.
Genome position (GRCh38, 1-based): chr13:48,307,343, A>C. VCF-style: chr13-48307343-A-C. GRCh37 (hg19) VCF-style: chr13-48881479-A-C.
Identifiers: ClinVar variation 1106945 (VCV001106945.12), dbSNP rs1268550381, ClinGen allele CA483711727.
Genomic context (GRCh38, chr13:48,307,343, plus strand): 5'-TGAGTTTGAAGAAACAGAAGAACCTGATTTTACTGCATTATGTCAGAAATTAAAGATACC[A>C]GATCATGTCAGAGAGAGAGCTTGGTTAACTTGGGAGAAAGTTTCATCTGTGGATGGAGTA-3'
Protein context (NP_000312.2, residues 57-77): FTALCQKLKI[Pro67=]DHVRERAWLT

ClinVar aggregate classification (germline): Likely benign. Review status: criteria provided, multiple submitters, no conflicts (2 of 4 stars). 3 submissions from 3 submitters: Likely benign (3). Last evaluated 2026-01-04.

Conditions:
Hereditary cancer-predisposing syndrome. Also called: Tumor predisposition; Neoplastic Syndromes, Hereditary; Hereditary Cancer Syndrome; Hereditary neoplastic syndrome. Identifiers: Orphanet 140162, MedGen C0027672, MeSH D009386, MONDO:0015356.
Retinoblastoma (RB1). Also called: RETINOBLASTOMA, SOMATIC. Identifiers: Orphanet 790, MedGen C0035335, MeSH D012175, MONDO:0008380, OMIM 180200, HP:0009919. Disease mechanism: loss of function. Inheritance: Both sporadic and heritable forms are tested..

Allele frequency attached by ClinVar (database versions not stated): gnomAD 0.00001; TOPMed 0.00001.
gnomAD v4.1: 4 of 1,610,926 alleles (0.00025%); highest among the groups gnomAD compares: Non-Finnish European, 0.00034%; no homozygotes.

Submissions (3):

Labcorp Genetics (formerly Invitae), Labcorp
Classification: Likely benign for Retinoblastoma. Last evaluated: 2026-01-04. Review status: criteria provided, single submitter. Criteria: Invitae Variant Classification Sherloc (09022015). Collection method: clinical testing. Allele origin: germline.

All of Us Research Program, National Institutes of Health
Classification: Likely benign for Retinoblastoma. Last evaluated: 2023-03-23. Review status: criteria provided, single submitter. Criteria: ACMG Guidelines, 2015. Collection method: clinical testing. Allele origin: germline. Inheritance: Autosomal dominant inheritance. Observed: 3 variant alleles, 3 heterozygotes.
Comment: This study involves interpretation of variants in research participants for the purpose of population health screening. Participant phenotype was not available at the time of variant classification. Additional details can be found in publication PMID: 35346344, PMCID: PMC8962531

Ambry Genetics
Classification: Likely benign for Hereditary cancer-predisposing syndrome. Last evaluated: 2022-02-01. Review status: criteria provided, single submitter. Criteria: Ambry Variant Classification Scheme 2023. Collection method: clinical testing. Allele origin: germline.